The following is an entry in ClinVar:

NM_004629.2(FANCG):c.1817A>G (p.Asp606Gly)

Gene: FANCG (FA complementation group G; minus strand). Cytogenetic location: 9p13.3.
Variant type: single nucleotide variant.
Coding change: c.1817A>G on transcript NM_004629.2 (MANE Select); coding-DNA position 1817, A replaced by G.
Protein change: p.Asp606Gly; replaces aspartic acid 606 with glycine.
Molecular consequence: missense variant.
Genome position (GRCh38, 1-based): chr9:35,074,160, T>C on the plus strand (A>G on the coding strand, the complement: FANCG is on the minus strand). VCF-style: chr9-35074160-T-C. GRCh37 (hg19) VCF-style: chr9-35074157-T-C.
Other names: short protein forms D606G.
Identifiers: ClinVar variation 4254457 (VCV004254457.1).

ClinVar aggregate classification (germline): Uncertain significance (1 of 4 stars; one submission).

Conditions:
Inborn genetic diseases. Identifiers: MedGen C0950123, MeSH D030342.

Submission:

Ambry Genetics
Classification: Uncertain significance for Inborn genetic diseases. Last evaluated: 2025-07-28. Review status: criteria provided, single submitter. Criteria: Ambry Variant Classification Scheme 2023. Collection method: clinical testing. Allele origin: germline.
Comment: The p.D606G variant (also known as c.1817A>G), located in coding exon 14 of the FANCG gene, results from an A to G substitution at nucleotide position 1817. The aspartic acid at codon 606 is replaced by glycine, an amino acid with similar properties. This amino acid position is conserved. In addition, this alteration is predicted to be tolerated by in silico analysis. Based on the available evidence, the clinical significance of this variant remains unclear.